The following is an entry in ClinVar:

NM_182925.5(FLT4):c.1694C>T (p.Ser565Phe)

Gene: FLT4 (fms related receptor tyrosine kinase 4; minus strand). Cytogenetic location: 5q35.3.
Variant type: single nucleotide variant.
Coding change: c.1694C>T on transcript NM_182925.5 (MANE Select); coding-DNA position 1694, C replaced by T.
Protein change: p.Ser565Phe; replaces serine 565 with phenylalanine.
Molecular consequence: missense variant.
Genome position (GRCh38, 1-based): chr5:180,621,868, G>A on the plus strand (C>T on the coding strand, the complement: FLT4 is on the minus strand). VCF-style: chr5-180621868-G-A. GRCh37 (hg19) VCF-style: chr5-180048868-G-A.
Other names: c.1694C>T, p.Ser565Phe (NM_001354989.2, NM_002020.5); short protein forms S565F.
Identifiers: ClinVar variation 4082924 (VCV004082924.2).

ClinVar aggregate classification (germline): Uncertain significance. Review status: criteria provided, multiple submitters, no conflicts (2 of 4 stars). 2 submissions from 2 submitters: Uncertain significance (2). Last evaluated 2025-07-10.

Conditions:
Hereditary lymphedema type I (LMPHM1). Also called: Nonne-Milroy disease; Congenital hereditary lymphedema; Early onset lymphedema; Hereditary lymphedema 1; Primary congenital lymphedema; Meige's disease. Identifiers: Orphanet 79452, MedGen C1704423, MONDO:0007919, OMIM 153100.

gnomAD v4.1: 1 of 1,613,510 alleles (0.000062%); highest among the groups gnomAD compares: East Asian, 0.0022%; no homozygotes.

Submissions (2):

Clinical Genomics Laboratory, Washington University in St. Louis
Classification: Uncertain significance for Hereditary lymphedema type I. Last evaluated: 2025-07-10. Review status: criteria provided, single submitter. Criteria: ACMG Guidelines, 2015. Collection method: clinical testing. Allele origin: germline.
Comment: A FLT4 c.1694C>T (p.Ser565Phe) variant was identified at a near heterozygous allelic fraction of 46.8%, a frequency which may be consistent with it being of germline origin. To our knowledge, it has not been reported in the medical literature. This variant is only observed on 1/1,613,510 alleles in the general population (gnomAD v4.1.0), indicating it is not a common variant. Computational predictors are uncertain as to the impact of this variant on FLT4 function. Due to limited information, and based on ACMG/AMP guidelines for variant interpretation (Richards S et al., PMID: 25741868), the clinical significance of this variant is uncertain at this time.

GeneDx
Classification: Uncertain significance. Last evaluated: 2025-03-03. Review status: criteria provided, single submitter. Criteria: GeneDx Variant Classification Process June 2021. Collection method: clinical testing. Allele origin: germline. Affected: yes.
Comment: Not observed at significant frequency in large population cohorts (gnomAD); In silico analysis supports that this missense variant has a deleterious effect on protein structure/function; Has not been previously published as pathogenic or benign to our knowledge